The following is an entry in ClinVar:

NM_001035.3(RYR2):c.3092G>A (p.Arg1031His)

Gene: RYR2 (ryanodine receptor 2; plus strand). Cytogenetic location: 1q43.
Variant type: single nucleotide variant.
Coding change: c.3092G>A on transcript NM_001035.3 (MANE Select); coding-DNA position 3092, G replaced by A.
Protein change: p.Arg1031His; replaces arginine 1031 with histidine.
Molecular consequence: missense variant.
Genome position (GRCh38, 1-based): chr1:237,550,569, G>A. VCF-style: chr1-237550569-G-A. GRCh37 (hg19) VCF-style: chr1-237713869-G-A.
Other names: short protein forms R1031H.
Identifiers: ClinVar variation 2155898 (VCV002155898.4), dbSNP rs772646981, ClinGen allele CA086294.

ClinVar aggregate classification (germline): Uncertain significance. Review status: criteria provided, multiple submitters, no conflicts (2 of 4 stars). 2 submissions from 2 submitters: Uncertain significance (2). Last evaluated 2025-06-12.

Conditions:
Catecholaminergic polymorphic ventricular tachycardia 1. Also called: VENTRICULAR TACHYCARDIA, CATECHOLAMINERGIC POLYMORPHIC, 1, WITH OR WITHOUT ATRIAL DYSFUNCTION AND/OR DILATED CARDIOMYOPATHY; RYR2-Related Catecholaminergic Polymorphic Ventricular Tachycardia; VENTRICULAR TACHYCARDIA, STRESS-INDUCED POLYMORPHIC 1. Identifiers: Orphanet 3286, MedGen C1631597, MONDO:0011484, OMIM 604772.
Cardiomyopathy (CMYO). Also called: Cardiomyopathies. Identifiers: Orphanet 167848, MedGen C0878544, MONDO:0004994, HP:0001638. Inheritance: Various modes of inheritance.

Allele frequency attached by ClinVar (database versions not stated): ExAC 0.00001.
gnomAD v4.1: 2 of 1,609,090 alleles (0.00012%); highest among the groups gnomAD compares: East Asian, 0.0022%; no homozygotes.

Submissions (2):

Color Diagnostics, LLC DBA Color Health
Classification: Uncertain significance for Cardiomyopathy. Last evaluated: 2025-06-12. Review status: criteria provided, single submitter. Criteria: ACMG Guidelines, 2015. Collection method: clinical testing. Allele origin: germline.
Comment: This missense variant replaces arginine with histidine at codon 1031 of the RYR2 protein. Computational prediction tool is inconclusive regarding the impact of this variant on protein structure and function. To our knowledge, functional studies have not been reported for this variant. This variant has been reported in an individual affected with dilated cardiomyopathy (PMID: 39681577). This variant has been identified in 1/241502 chromosomes in the general population by the Genome Aggregation Database (gnomAD). The available evidence is insufficient to determine the role of this variant in disease conclusively. Therefore, this variant is classified as a Variant of Uncertain Significance.

Labcorp Genetics (formerly Invitae), Labcorp
Classification: Uncertain significance for Catecholaminergic polymorphic ventricular tachycardia 1. Last evaluated: 2022-02-01. Review status: criteria provided, single submitter. Criteria: Invitae Variant Classification Sherloc (09022015). Collection method: clinical testing. Allele origin: germline.
Comment: In summary, the available evidence is currently insufficient to determine the role of this variant in disease. Therefore, it has been classified as a Variant of Uncertain Significance. Advanced modeling of protein sequence and biophysical properties (such as structural, functional, and spatial information, amino acid conservation, physicochemical variation, residue mobility, and thermodynamic stability) performed at Invitae indicates that this missense variant is not expected to disrupt RYR2 protein function. This variant has not been reported in the literature in individuals affected with RYR2-related conditions. The frequency data for this variant in the population databases is considered unreliable, as metrics indicate poor data quality at this position in the gnomAD database. This sequence change replaces arginine, which is basic and polar, with histidine, which is basic and polar, at codon 1031 of the RYR2 protein (p.Arg1031His).

Literature cited by the submitters: PubMed 39681577 (cited by Color Diagnostics, LLC DBA Color Health).